The following is an entry in ClinVar:

ClinVar aggregate classification (germline): Uncertain significance (1 of 4 stars; one submission).

Allele frequency attached by ClinVar (database versions not stated): TOPMed below 0.00001; gnomAD 0.00001.

Submission:

Labcorp Genetics (formerly Invitae), Labcorp
Classification: Uncertain significance. Last evaluated: 2023-10-13. Review status: criteria provided, single submitter. Criteria: Invitae Variant Classification Sherloc (09022015). Collection method: clinical testing. Allele origin: germline.
Comment: This sequence change replaces cysteine, which is neutral and slightly polar, with tyrosine, which is neutral and polar, at codon 204 of the GJB3 protein (p.Cys204Tyr). This variant is present in population databases (no rsID available, gnomAD 0.01%). This variant has not been reported in the literature in individuals affected with GJB3-related conditions. Advanced modeling of protein sequence and biophysical properties (such as structural, functional, and spatial information, amino acid conservation, physicochemical variation, residue mobility, and thermodynamic stability) performed at Invitae indicates that this missense variant is expected to disrupt GJB3 protein function. In summary, the available evidence is currently insufficient to determine the role of this variant in disease. Therefore, it has been classified as a Variant of Uncertain Significance.

NM_024009.3(GJB3):c.611G>A (p.Cys204Tyr)

Gene: GJB3 (gap junction protein beta 3; plus strand). Cytogenetic location: 1p34.3.
Variant type: single nucleotide variant.
Coding change: c.611G>A on transcript NM_024009.3 (MANE Select); coding-DNA position 611, G replaced by A.
Protein change: p.Cys204Tyr; replaces cysteine 204 with tyrosine.
Molecular consequence: missense variant.
Genome position (GRCh38, 1-based): chr1:34,785,373, G>A. VCF-style: chr1-34785373-G-A. GRCh37 (hg19) VCF-style: chr1-35250974-G-A.
Other names: c.611G>A, p.Cys204Tyr (NM_001005752.2); short protein forms C204Y.
Identifiers: ClinVar variation 2972571 (VCV002972571.3), dbSNP rs1351108040, ClinGen allele CA339315843.